The following is an entry in ClinVar:

NM_002880.4(RAF1):c.212A>T (p.Asn71Ile)

Gene: RAF1 (Raf-1 proto-oncogene, serine/threonine kinase; minus strand). Cytogenetic location: 3p25.2.
Variant type: single nucleotide variant.
Coding change: c.212A>T on transcript NM_002880.4 (MANE Select); coding-DNA position 212, A replaced by T.
Protein change: p.Asn71Ile; replaces asparagine 71 with isoleucine.
Molecular consequence: missense variant. On other transcripts: non-coding transcript variant (3), intron variant (4).
Genome position (GRCh38, 1-based): chr3:12,612,058, T>A on the plus strand (A>T on the coding strand, the complement: RAF1 is on the minus strand). VCF-style: chr3-12612058-T-A. GRCh37 (hg19) VCF-style: chr3-12653557-T-A.
Other names: c.212A>T, p.Asn71Ile (NM_001354689.3, NM_001354690.3, NM_001354693.3); c.78-2723A>T (NM_001354695.3, NM_001354692.3, NM_001354694.3 and 1 more transcripts); short protein forms N71I.
Identifiers: ClinVar variation 855122 (VCV000855122.10), dbSNP rs184022679, ClinGen allele CA351521317.

ClinVar aggregate classification (germline): Uncertain significance. Review status: criteria provided, multiple submitters, no conflicts (2 of 4 stars). 2 submissions from 2 submitters: Uncertain significance (2). Last evaluated 2025-10-02.

Conditions:
RASopathy. Also called: Noonan spectrum disorder; rasopathies. Identifiers: Orphanet 536391, MedGen C5555857, MONDO:0021060.

gnomAD v4.1: 2 of 1,613,814 alleles (0.00012%); highest among the groups gnomAD compares: Non-Finnish European, 0.00017%; no homozygotes.

Submissions (2):

Labcorp Genetics (formerly Invitae), Labcorp
Classification: Uncertain significance for RASopathy. Last evaluated: 2025-10-02. Review status: criteria provided, single submitter. Criteria: Invitae Variant Classification Sherloc (09022015). Collection method: clinical testing. Allele origin: germline.
Comment: This sequence change replaces asparagine, which is neutral and polar, with isoleucine, which is neutral and non-polar, at codon 71 of the RAF1 protein (p.Asn71Ile). This variant is not present in population databases (gnomAD no frequency). This variant has not been reported in the literature in individuals affected with RAF1-related conditions. ClinVar contains an entry for this variant (Variation ID: 855122). Invitae Evidence Modeling incorporating data from in vitro experimental studies (internal data) did not meet the statistical confidence thresholds required to predict the impact of this variant on RAF1 function. In summary, the available evidence is currently insufficient to determine the role of this variant in disease. Therefore, it has been classified as a Variant of Uncertain Significance.

GeneDx
Classification: Uncertain significance. Last evaluated: 2023-04-25. Review status: criteria provided, single submitter. Criteria: GeneDx Variant Classification Process June 2021. Collection method: clinical testing. Allele origin: germline. Affected: yes.
Comment: Not observed at significant frequency in large population cohorts (gnomAD); Missense variants in this gene are often considered pathogenic (HGMD); In silico analysis supports that this missense variant has a deleterious effect on protein structure/function; Has not been previously published as pathogenic or benign to our knowledge; This variant is associated with the following publications: (PMID: 29493581)